The following is an entry in ClinVar:

NM_001754.5(RUNX1):c.837G>T (p.Trp279Cys)

Gene: RUNX1 (RUNX family transcription factor 1; minus strand). Cytogenetic location: 21q22.12.
Variant type: single nucleotide variant.
Coding change: c.837G>T on transcript NM_001754.5 (MANE Select); coding-DNA position 837, G replaced by T.
Protein change: p.Trp279Cys; replaces tryptophan 279 with cysteine.
Molecular consequence: missense variant.
Genome position (GRCh38, 1-based): chr21:34,799,431, C>A on the plus strand (G>T on the coding strand, the complement: RUNX1 is on the minus strand). VCF-style: chr21-34799431-C-A. GRCh37 (hg19) VCF-style: chr21-36171728-C-A.
Other names: NM_001754.5(RUNX1):c.837G>T; p.Trp279Cys; c.756G>T, p.Trp252Cys (NM_001001890.3); short protein forms W252C, W279C.
Identifiers: ClinVar variation 1002392 (VCV001002392.9), dbSNP rs2056577465, ClinGen allele CA410150219.

ClinVar aggregate classification (germline): Uncertain significance. Review status: reviewed by expert panel (3 of 4 stars). 2 submissions from 2 submitters: Uncertain significance (1). 1 of the submissions does not count toward it. Last evaluated 2025-01-15.

Conditions:
Hereditary thrombocytopenia and hematological cancer predisposition syndrome associated with RUNX1. Also called: Familial thrombocytopenia with propensity to acute myelogenous leukemia; PLATELET DISORDER, ASPIRIN-LIKE; RUNX1 Familial Platelet Disorder with Associated Myeloid Malignancies; Familial Platelet Disorder with Propensity to Acute Myelogenous Leukemia. Identifiers: Orphanet 71290, MedGen C1832388, MeSH C563324, MONDO:0100083, OMIM 601399.
Hereditary thrombocytopenia and hematologic cancer predisposition syndrome. Identifiers: Orphanet 71290, MedGen CN281654, MONDO:0011071.

Submissions (2):

ClinGen Myeloid Malignancy Variant Curation Expert Panel
Classification: Uncertain significance for Hereditary thrombocytopenia and hematologic cancer predisposition syndrome. Last evaluated: 2025-01-15. Review status: reviewed by expert panel. Criteria: ClinGen MyeloMalig ACMG Specifications v2. Collection method: curation. Allele origin: germline. Inheritance: Autosomal dominant inheritance.
Comment: NM_001754.5(RUNX1):c.837G>T (p.Trp279Cys) is a missense variant which is completely absent from all population databases with at least 20x coverage for RUNX1 (PM2_Supporting). In summary, the clinical significance of this variant is uncertain. ACMG/AMP criteria applied, as specified by the Myeloid Malignancy Variant Curation Expert Panel for RUNX1: PM2_Supporting.

Labcorp Genetics (formerly Invitae), Labcorp
Classification: Uncertain significance for Hereditary thrombocytopenia and hematological cancer predisposition syndrome associated with RUNX1. Last evaluated: 2024-04-18. Review status: criteria provided, single submitter. Criteria: Invitae Variant Classification Sherloc (09022015). Collection method: clinical testing. Allele origin: germline. Not counted in ClinVar's aggregate classification.
Comment: This sequence change replaces tryptophan, which is neutral and slightly polar, with cysteine, which is neutral and slightly polar, at codon 279 of the RUNX1 protein (p.Trp279Cys). This variant is not present in population databases (gnomAD no frequency). This variant has not been reported in the literature in individuals affected with RUNX1-related conditions. ClinVar contains an entry for this variant (Variation ID: 1002392). Advanced modeling of protein sequence and biophysical properties (such as structural, functional, and spatial information, amino acid conservation, physicochemical variation, residue mobility, and thermodynamic stability) has been performed at Invitae for this missense variant, however the output from this modeling did not meet the statistical confidence thresholds required to predict the impact of this variant on RUNX1 protein function. In summary, the available evidence is currently insufficient to determine the role of this variant in disease. Therefore, it has been classified as a Variant of Uncertain Significance.